The following is an entry in ClinVar:

NM_080911.3(UNG):c.634C>G (p.Leu212Val)

Gene: UNG (uracil DNA glycosylase; plus strand). Cytogenetic location: 12q24.11.
Variant type: single nucleotide variant.
Coding change: c.634C>G on transcript NM_080911.3 (MANE Select); coding-DNA position 634, C replaced by G.
Protein change: p.Leu212Val; replaces leucine 212 with valine.
Molecular consequence: missense variant.
Genome position (GRCh38, 1-based): chr12:109,103,444, C>G. VCF-style: chr12-109103444-C-G. GRCh37 (hg19) VCF-style: chr12-109541249-C-G.
Other names: c.607C>G, p.Leu203Val (NM_003362.4); short protein forms L203V, L212V.
Identifiers: ClinVar variation 1962998 (VCV001962998.5), dbSNP rs2499983249, ClinGen allele CA386473416.

ClinVar aggregate classification (germline): Uncertain significance (1 of 4 stars; one submission).

Conditions:
Hyper-IgM syndrome type 5 (HIGM5). Also called: Hyper-IgM Immunodeficiency Syndrome, Type 5. Identifiers: Orphanet 101092, MedGen C1720958, MONDO:0011971, OMIM 608106.

Allele frequency attached by ClinVar (database versions not stated): gnomAD exomes below 0.00001.
gnomAD v4.1: 2 of 1,614,118 alleles (0.00012%); highest among the groups gnomAD compares: Non-Finnish European, 0.00017%; no homozygotes.

Submission:

Labcorp Genetics (formerly Invitae), Labcorp
Classification: Uncertain significance for Hyper-IgM syndrome type 5. Last evaluated: 2022-07-01. Review status: criteria provided, single submitter. Criteria: Invitae Variant Classification Sherloc (09022015). Collection method: clinical testing. Allele origin: germline.
Comment: This sequence change replaces leucine, which is neutral and non-polar, with valine, which is neutral and non-polar, at codon 212 of the UNG protein (p.Leu212Val). This variant is not present in population databases (gnomAD no frequency). This variant has not been reported in the literature in individuals affected with UNG-related conditions. Algorithms developed to predict the effect of missense changes on protein structure and function are either unavailable or do not agree on the potential impact of this missense change (SIFT: "Deleterious"; PolyPhen-2: "Possibly Damaging"; Align-GVGD: "Class C0"). In summary, the available evidence is currently insufficient to determine the role of this variant in disease. Therefore, it has been classified as a Variant of Uncertain Significance.